The following is an entry in ClinVar:

ClinVar aggregate classification (germline): Conflicting classifications of pathogenicity. Review status: criteria provided, conflicting classifications (1 of 4 stars). 4 submissions from 4 submitters: Uncertain significance (1); Benign (1). 2 of the submissions do not count toward it. Last evaluated 2026-01-28.

Conditions:
Epidermolysis bullosa dystrophica. Also called: Dystrophic epidermolysis bullosa, Hallopeau-Siemens type (formerly); Dystrophic epidermolysis bullosa. Identifiers: Orphanet 303, MedGen C0079294, MONDO:0006543.
Generalized dominant dystrophic epidermolysis bullosa (DDEB). Also called: Dominant DEB (DDEB); DDEB, generalized; DDEB-gen; DYSTROPHIC EPIDERMOLYSIS BULLOSA, AUTOSOMAL DOMINANT; Epidermolysis bullosa dystrophica, autosomal dominant. Identifiers: Orphanet 231568, MedGen C0432322, MONDO:0007549, OMIM 131750.
COL7A1-related disorder. Also called: COL7A1-related condition; COL7A1- related disorders.

Allele frequency attached by ClinVar (database versions not stated): TOPMed 0.00020; gnomAD exomes 0.00032 and 0.00014; ESP Exome Variant Server 0.00023; gnomAD 0.00017 and 0.00018; ExAC 0.00027.
gnomAD v4.1: 250 of 1,613,014 alleles (0.015%); highest among the groups gnomAD compares: Admixed American, 0.038%; no homozygotes.

Submissions (4):

Labcorp Genetics (formerly Invitae), Labcorp
Classification: Benign. Last evaluated: 2026-01-28. Review status: criteria provided, single submitter. Criteria: Invitae Variant Classification Sherloc (09022015). Collection method: clinical testing. Allele origin: germline.

Illumina Laboratory Services, Illumina
Classification: Uncertain significance for Dystrophic epidermolysis bullosa. Last evaluated: 2018-01-13. Review status: criteria provided, single submitter. Criteria: ICSL Variant Classification Criteria 13 December 2019. Collection method: clinical testing. Allele origin: germline.

PreventionGenetics, part of Exact Sciences
Classification: Likely benign for COL7A1-related condition. Last evaluated: 2023-04-17. Review status: no assertion criteria provided. Collection method: clinical testing. Allele origin: germline. Not counted in ClinVar's aggregate classification.
Comment: This variant is classified as likely benign based on ACMG/AMP sequence variant interpretation guidelines (Richards et al. 2015 PMID: 25741868, with internal and published modifications).

Natera, Inc.
Classification: Likely benign for Autosomal dominant dystrophic epidermolysis bullosa. Last evaluated: 2020-05-02. Review status: no assertion criteria provided. Collection method: clinical testing. Allele origin: germline. Not counted in ClinVar's aggregate classification.

NM_000094.4(COL7A1):c.6502-10C>G

Gene: COL7A1 (collagen type VII alpha 1 chain; minus strand). Cytogenetic location: 3p21.31.
Variant type: single nucleotide variant.
Coding change: c.6502-10C>G on transcript NM_000094.4 (MANE Select); 10 bases into the intron before coding-DNA position 6502, C replaced by G.
Molecular consequence: intron variant.
Genome position (GRCh38, 1-based): chr3:48,573,900, G>C on the plus strand (C>G on the coding strand, the complement: COL7A1 is on the minus strand). VCF-style: chr3-48573900-G-C. GRCh37 (hg19) VCF-style: chr3-48611333-G-C.
Identifiers: ClinVar variation 757202 (VCV000757202.16), dbSNP rs200193957, ClinGen allele CA2378978.